The following is an entry in ClinVar:

NM_003482.4(KMT2D):c.15185G>C (p.Cys5062Ser)

Gene: KMT2D (lysine methyltransferase 2D; minus strand). Cytogenetic location: 12q13.12.
Variant type: single nucleotide variant.
Coding change: c.15185G>C on transcript NM_003482.4 (MANE Select); coding-DNA position 15185, G replaced by C.
Protein change: p.Cys5062Ser; replaces cysteine 5062 with serine.
Molecular consequence: missense variant.
Genome position (GRCh38, 1-based): chr12:49,026,781, C>G on the plus strand (G>C on the coding strand, the complement: KMT2D is on the minus strand). VCF-style: chr12-49026781-C-G. GRCh37 (hg19) VCF-style: chr12-49420564-C-G.
Other names: short protein forms C5062S.
Identifiers: ClinVar variation 2841355 (VCV002841355.3), dbSNP rs1942615152, ClinGen allele CA384689318.
Genomic context (GRCh38, chr12:49,026,781, plus strand): 5'-ACCTCCACATTCATCAGTGCCCCGCCCTGGGTCTCATACACCTCCGTGGACCAAAGGGCA[C>G]AGTTGAGGTGCACCCACAGGTCCAGGTCCAGGTTCAGCAGACGGGCAGGCCCATCAGTGG-3'
Protein context (NP_003473.3, residues 5052-5072): LDLDLWVHLN[Cys5062Ser]ALWSTEVYET

ClinVar aggregate classification (germline): Likely pathogenic (1 of 4 stars; one submission).

Conditions:
Kabuki syndrome. Also called: Kabuki make-up syndrome; NIIKAWA-KUROKI SYNDROME. Identifiers: Orphanet 2322, MedGen C0796004, MONDO:0016512.

Submission:

Labcorp Genetics (formerly Invitae), Labcorp
Classification: Likely pathogenic for Kabuki syndrome. Last evaluated: 2023-02-27. Review status: criteria provided, single submitter. Criteria: Invitae Variant Classification Sherloc (09022015). Collection method: clinical testing. Allele origin: germline.
Comment: This variant disrupts the p.Cy5062 amino acid residue in KMT2D. Other variant(s) that disrupt this residue have been determined to be pathogenic (PMID: 25755104). This suggests that this residue is clinically significant, and that variants that disrupt this residue are likely to be disease-causing. Advanced modeling of protein sequence and biophysical properties (such as structural, functional, and spatial information, amino acid conservation, physicochemical variation, residue mobility, and thermodynamic stability) performed at Invitae indicates that this missense variant is expected to disrupt KMT2D protein function. This variant has not been reported in the literature in individuals affected with KMT2D-related conditions. This variant is not present in population databases (gnomAD no frequency). This sequence change replaces cysteine, which is neutral and slightly polar, with serine, which is neutral and polar, at codon 5062 of the KMT2D protein (p.Cys5062Ser). In summary, the currently available evidence indicates that the variant is pathogenic, but additional data are needed to prove that conclusively. Therefore, this variant has been classified as Likely Pathogenic.

Literature cited by the submitters: PubMed 25755104.